The following is an entry in ClinVar:

ClinVar aggregate classification (germline): not provided (0 of 4 stars; one submission).

Allele frequency attached by ClinVar (database versions not stated): TOPMed below 0.00001.

Submission:

ITMI
No classification provided. Condition: AllHighlyPenetrant. Last evaluated: 2013-09-19. Review status: no classification provided. Collection method: reference population. Allele origin: germline.
Comment: Please see associated publication for description of ethnicities

Literature cited by the submitters: PubMed 24728327.

NM_000369.5(TSHR):c.1928A>G (p.Tyr643Cys)

Genes: TSHR (thyroid stimulating hormone receptor; plus strand), TSHR-AS1 (TSHR antisense RNA 1; minus strand). Cytogenetic location: 14q31.1.
Variant type: single nucleotide variant.
Coding change: c.1928A>G on transcript NM_000369.5 (MANE Select); coding-DNA position 1928, A replaced by G.
Protein change: p.Tyr643Cys; replaces tyrosine 643 with cysteine.
Molecular consequence: missense variant.
Genome position (GRCh38, 1-based): chr14:81,143,986, A>G. VCF-style: chr14-81143986-A-G. GRCh37 (hg19) VCF-style: chr14-81610330-A-G.
Other names: short protein forms Y643C.
Identifiers: ClinVar variation 135393 (VCV000135393.1), dbSNP rs587778741, ClinGen allele CA162628.
Genomic context (GRCh38, chr14:81,143,986, plus strand): 5'-CCAAGAGGATGGCTGTGTTGATCTTCACCGACTTCATATGCATGGCCCCAATCTCATTCT[A>G]TGCTCTGTCAGCAATTCTGAACAAGCCTCTCATCACTGTTAGCAACTCCAAAATCTTGCT-3'
Protein context (NP_000360.2, residues 633-653): DFICMAPISF[Tyr643Cys]ALSAILNKPL